The following is an entry in ClinVar:

ClinVar aggregate classification (germline): Uncertain significance. Review status: criteria provided, multiple submitters, no conflicts (2 of 4 stars). 2 submissions from 2 submitters: Uncertain significance (2). Last evaluated 2024-01-20.

Conditions:
Inborn genetic diseases. Identifiers: MedGen C0950123, MeSH D030342.

Allele frequency attached by ClinVar (database versions not stated): gnomAD exomes below 0.00001; TOPMed 0.00001.
gnomAD v4.1: 1 of 1,614,168 alleles (0.000062%); highest among the groups gnomAD compares: Non-Finnish European, 0.000085%; no homozygotes.

Submissions (2):

Labcorp Genetics (formerly Invitae), Labcorp
Classification: Uncertain significance. Last evaluated: 2024-01-20. Review status: criteria provided, single submitter. Criteria: Invitae Variant Classification Sherloc (09022015). Collection method: clinical testing. Allele origin: germline.
Comment: This sequence change replaces histidine, which is basic and polar, with arginine, which is basic and polar, at codon 221 of the BMP2 protein (p.His221Arg). This variant is not present in population databases (gnomAD no frequency). This variant has not been reported in the literature in individuals affected with BMP2-related conditions. ClinVar contains an entry for this variant (Variation ID: 1051993). An algorithm developed to predict the effect of missense changes on protein structure and function (PolyPhen-2) suggests that this variant is likely to be tolerated. In summary, the available evidence is currently insufficient to determine the role of this variant in disease. Therefore, it has been classified as a Variant of Uncertain Significance.

Ambry Genetics
Classification: Uncertain significance for Inborn genetic diseases. Last evaluated: 2023-05-04. Review status: criteria provided, single submitter. Criteria: Ambry Variant Classification Scheme 2023. Collection method: clinical testing. Allele origin: germline.

NM_001200.4(BMP2):c.662A>G (p.His221Arg)

Gene: BMP2 (bone morphogenetic protein 2; plus strand). Cytogenetic location: 20p12.3.
Variant type: single nucleotide variant.
Coding change: c.662A>G on transcript NM_001200.4 (MANE Select); coding-DNA position 662, A replaced by G.
Protein change: p.His221Arg; replaces histidine 221 with arginine.
Molecular consequence: missense variant.
Genome position (GRCh38, 1-based): chr20:6,778,560, A>G. VCF-style: chr20-6778560-A-G. GRCh37 (hg19) VCF-style: chr20-6759207-A-G.
Other names: c.662A>G (NM_001200.2); short protein forms H221R.
Identifiers: ClinVar variation 1051993 (VCV001051993.9), dbSNP rs1182413674, ClinGen allele CA408258829.